The following is an entry in ClinVar:

NM_001276270.2(MBD4):c.1237dup (p.Ser413fs)

Gene: MBD4 (methyl-CpG binding domain 4, DNA glycosylase; minus strand). Cytogenetic location: 3q21.3.
Variant type: Duplication.
Coding change: c.1237dup on transcript NM_001276270.2 (MANE Select); coding-DNA position 1237, one base duplicated (T; older notation c.1237dupT).
Protein change: p.Ser413fs; shifts the reading frame from serine 413.
Molecular consequence: frameshift variant.
Genome position (GRCh38, 1-based): chr3:129,434,083, A duplicated on the plus strand (T on the coding strand, the reverse complement: MBD4 is on the minus strand); the first of 5 consecutive A bases (chr3:129,434,083-129,434,087); duplicating any one gives the same sequence. VCF-style (leftmost placement, unchanged base first): chr3-129434082-G-GA. GRCh37 (hg19) VCF-style: chr3-129152925-G-GA.
Other names: c.1255dup, p.Ser419fs (NM_001276271.2, NM_001276272.2, NM_003925.3); c.301dup, p.Ser101fs (NM_001276273.2); c.1237dupT (NM_001276270.2); short protein forms S413fs, S101fs, S419fs.
Identifiers: ClinVar variation 4052217 (VCV004052217.2).

ClinVar aggregate classification (germline): Pathogenic. Review status: criteria provided, multiple submitters, no conflicts (2 of 4 stars). 2 submissions from 2 submitters: Pathogenic (2). Last evaluated 2025-12-09.

Conditions:
Tumor predisposition syndrome 2 (TPDS2). Also called: MBD4-ASSOCIATED NEOPLASIA SYNDROME; MBD4-Related Tumor Predisposition Syndrome; MBD4-associated neoplasia syndrome (MANS). Identifiers: Orphanet 661526, MedGen C5774186, MONDO:0859267, OMIM 619975.
Inborn genetic diseases. Identifiers: MedGen C0950123, MeSH D030342.

Submissions (2):

Myriad Genetics, Inc.
Classification: Pathogenic for Tumor predisposition syndrome 2. Last evaluated: 2025-12-09. Review status: criteria provided, single submitter. Criteria: Myriad Autosomal Dominant, Autosomal Recessive and X-Linked Classification Criteria (2023). Collection method: clinical testing. Allele origin: unknown.
Comment: This variant is considered pathogenic. This variant creates a frameshift predicted to result in premature protein truncation.

Ambry Genetics
Classification: Pathogenic for Inborn genetic diseases. Last evaluated: 2025-05-14. Review status: criteria provided, single submitter. Criteria: Ambry Variant Classification Scheme 2023. Collection method: clinical testing. Allele origin: germline.
Comment: The c.1237dupT pathogenic mutation, located in coding exon 4 of the MBD4 gene, results from a duplication of T at nucleotide position 1237, causing a translational frameshift with a predicted alternate stop codon (p.S413Ffs*5). This variant is considered to be rare based on population cohorts in the Genome Aggregation Database (gnomAD). This alteration is expected to result in loss of function by premature protein truncation or nonsense-mediated mRNA decay. As such, this alteration is interpreted as a disease-causing mutation.